The following is an entry in ClinVar:

ClinVar aggregate classification (germline): Uncertain significance (1 of 4 stars; one submission).

gnomAD v4.1: 8 of 1,614,240 alleles (0.0005%); highest among the groups gnomAD compares: Non-Finnish European, 0.00068%; no homozygotes.

Submission:

Labcorp Genetics (formerly Invitae), Labcorp
Classification: Uncertain significance. Last evaluated: 2022-07-03. Review status: criteria provided, single submitter. Criteria: Invitae Variant Classification Sherloc (09022015). Collection method: clinical testing. Allele origin: germline.
Comment: This variant is present in population databases (no rsID available, gnomAD 0.0009%). Algorithms developed to predict the effect of missense changes on protein structure and function (SIFT, PolyPhen-2, Align-GVGD) all suggest that this variant is likely to be tolerated. This variant has not been reported in the literature in individuals affected with SEMA4A-related conditions. This sequence change replaces alanine, which is neutral and non-polar, with glycine, which is neutral and non-polar, at codon 728 of the SEMA4A protein (p.Ala728Gly). In summary, the available evidence is currently insufficient to determine the role of this variant in disease. Therefore, it has been classified as a Variant of Uncertain Significance.

NM_022367.4(SEMA4A):c.2183C>G (p.Ala728Gly)

Gene: SEMA4A (semaphorin 4A; plus strand). Cytogenetic location: 1q22.
Variant type: single nucleotide variant.
Coding change: c.2183C>G on transcript NM_022367.4 (MANE Select); coding-DNA position 2183, C replaced by G.
Protein change: p.Ala728Gly; replaces alanine 728 with glycine.
Molecular consequence: missense variant.
Genome position (GRCh38, 1-based): chr1:156,176,894, C>G. VCF-style: chr1-156176894-C-G. GRCh37 (hg19) VCF-style: chr1-156146685-C-G.
Other names: c.2183C>G, p.Ala728Gly (NM_001193300.2, NM_001193301.2, NM_001370567.1); c.1787C>G, p.Ala596Gly (NM_001193302.2); c.1886C>G, p.Ala629Gly (NM_001370568.1); c.1676C>G, p.Ala559Gly (NM_001370569.1, NM_001370571.1); short protein forms A559G, A629G, A596G, A728G.
Identifiers: ClinVar variation 2149711 (VCV002149711.4), dbSNP rs1482375362, ClinGen allele CA342813809.